The following is an entry in ClinVar:

ClinVar aggregate classification (germline): Uncertain significance. Review status: criteria provided, multiple submitters, no conflicts (2 of 4 stars). 7 submissions from 7 submitters: Uncertain significance (7). Last evaluated 2025-10-29.

Conditions:
Hereditary nonpolyposis colorectal neoplasms. Identifiers: MedGen C0009405, MeSH D003123.
Hereditary cancer-predisposing syndrome. Also called: Hereditary Cancer Syndrome; Hereditary neoplastic syndrome; Tumor predisposition; Neoplastic Syndromes, Hereditary. Identifiers: Orphanet 140162, MedGen C0027672, MeSH D009386, MONDO:0015356.

Allele frequency attached by ClinVar (database versions not stated): TOPMed 0.00002.

Submissions (7):

Color Diagnostics, LLC DBA Color Health
Classification: Uncertain significance for Hereditary cancer-predisposing syndrome. Last evaluated: 2025-10-29. Review status: criteria provided, single submitter. Criteria: ACMG Guidelines, 2015. Collection method: clinical testing. Allele origin: germline.
Comment: This missense variant replaces alanine with valine at codon 1016 of the MSH6 protein. Computational prediction suggests that this variant may not impact protein structure and function. To our knowledge, functional studies have not been reported for this variant. This variant has not been reported in individuals affected with MSH6-related disorders in the literature. This variant has not been identified in the general population by the Genome Aggregation Database (gnomAD). The available evidence is insufficient to determine the role of this variant in disease conclusively. Therefore, this variant is classified as a Variant of Uncertain Significance.

Labcorp Genetics (formerly Invitae), Labcorp
Classification: Uncertain significance for Hereditary nonpolyposis colorectal neoplasms. Last evaluated: 2025-08-03. Review status: criteria provided, single submitter. Criteria: Invitae Variant Classification Sherloc (09022015). Collection method: clinical testing. Allele origin: germline.
Comment: This sequence change replaces alanine, which is neutral and non-polar, with valine, which is neutral and non-polar, at codon 1016 of the MSH6 protein (p.Ala1016Val). This variant is not present in population databases (gnomAD no frequency). This missense change has been observed in individual(s) with MSH6-related conditions (PMID: 33850299). ClinVar contains an entry for this variant (Variation ID: 127577). Invitae Evidence Modeling of protein sequence and biophysical properties (such as structural, functional, and spatial information, amino acid conservation, physicochemical variation, residue mobility, and thermodynamic stability) indicates that this missense variant is not expected to disrupt MSH6 protein function with a negative predictive value of 95%. In summary, the available evidence is currently insufficient to determine the role of this variant in disease. Therefore, it has been classified as a Variant of Uncertain Significance.

Ambry Genetics
Classification: Uncertain significance for Hereditary cancer-predisposing syndrome. Last evaluated: 2025-04-04. Review status: criteria provided, single submitter. Criteria: Ambry Variant Classification Scheme 2023. Collection method: clinical testing. Allele origin: germline.
Comment: The p.A1016V variant (also known as c.3047C>T), located in coding exon 4 of the MSH6 gene, results from a C to T substitution at nucleotide position 3047. The alanine at codon 1016 is replaced by valine, an amino acid with similar properties. This amino acid position is not well conserved in available vertebrate species. In addition, the in silico prediction for this alteration is inconclusive. Since supporting evidence is limited at this time, the clinical significance of this alteration remains unclear.

Hereditary Cancer Laboratory, Hospital Universitario 12 de Octubre
Classification: Uncertain significance for Hereditary cancer-predisposing syndrome. Last evaluated: 2024-02-26. Review status: criteria provided, single submitter. Criteria: ACMG Guidelines, 2015. Collection method: clinical testing. Allele origin: germline.
Comment: PM2+BP4

Women's Health and Genetics/Laboratory Corporation of America, LabCorp
Classification: Uncertain significance. Last evaluated: 2018-10-08. Review status: criteria provided, single submitter. Criteria: LabCorp Variant Classification Summary - May 2015. Collection method: clinical testing. Allele origin: germline.
Comment: Variant summary: MSH6 c.3047C>T (p.Ala1016Val) results in a non-conservative amino acid change located in the DNA mismatch repair protein MutS, core domain of the encoded protein sequence. Three of five in-silico tools predict a damaging effect of the variant on protein function. The variant was absent in 222900 control chromosomes (gnomAD). The available data on variant occurrences in the general population are insufficient to allow any conclusion about variant significance. To our knowledge, no occurrence of c.3047C>T in individuals affected with Lynch Syndrome and no experimental evidence demonstrating its impact on protein function have been reported. A ClinVar submission from a clinical diagnostic laboratory (evaluation after 2014) cites variant as uncertain significance. Based on the evidence outlined above, the variant was classified as uncertain significance.

Quest Diagnostics Nichols Institute San Juan Capistrano
Classification: Uncertain significance. Last evaluated: 2017-02-03. Review status: criteria provided, single submitter. Criteria: Quest Diagnostics criteria. Collection method: clinical testing. Allele origin: germline.

GeneDx
Classification: Uncertain significance. Last evaluated: 2013-12-30. Review status: criteria provided, single submitter. Criteria: GeneDx Variant Classification (06012015). Collection method: clinical testing. Allele origin: germline. Affected: yes.
Comment: This variant is denoted MSH6 c.3047C>T at the cDNA level, p.Ala1016Val (A1016V) at the protein level, and results in the change of an Alanine to a Valine (GCT>GTT). This variant has not, to our knowledge, been published in the literature as pathogenic or benign. MSH6 Ala1016Val was not observed in approximately 6,500 individuals of European and African American ancestry in the NHLBI Exome Sequencing Project, indicating it is not a common benign variant in these populations. This variant is a conservative substitution of one neutral non-polar amino acid for another, altering a position that is well conserved throughout evolution and is not located in a known functional domain. In silico analyses are inconsistent with regard to the effect this variant may have on protein structure and function. Based on currently available information, it is unclear whether MSH6 Ala1016Val is pathogenic or benign. We consider it to be a variant of uncertain significance.

Literature cited by the submitters: PubMed 33850299 (cited by Labcorp Genetics (formerly Invitae), Labcorp).

NM_000179.3(MSH6):c.3047C>T (p.Ala1016Val)

Gene: MSH6 (mutS homolog 6; plus strand). Cytogenetic location: 2p16.3.
Variant type: single nucleotide variant.
Coding change: c.3047C>T on transcript NM_000179.3 (MANE Select); coding-DNA position 3047, C replaced by T.
Protein change: p.Ala1016Val; replaces alanine 1016 with valine.
Molecular consequence: missense variant.
Genome position (GRCh38, 1-based): chr2:47,801,030, C>T. VCF-style: chr2-47801030-C-T. GRCh37 (hg19) VCF-style: chr2-48028169-C-T.
Other names: p.A1016V:GCT>GTT; c.2657C>T, p.Ala886Val (NM_001281492.2); c.2141C>T, p.Ala714Val (NM_001281493.2, NM_001281494.2); short protein forms A1016V, A714V, A886V.
Identifiers: ClinVar variation 127577 (VCV000127577.18), dbSNP rs587779929, ClinGen allele CA011448.